The following is an entry in ClinVar:

NM_004304.5(ALK):c.1246G>A (p.Ala416Thr)

Gene: ALK (ALK receptor tyrosine kinase; minus strand). Cytogenetic location: 2p23.2.
Variant type: single nucleotide variant.
Coding change: c.1246G>A on transcript NM_004304.5 (MANE Select); coding-DNA position 1246, G replaced by A.
Protein change: p.Ala416Thr; replaces alanine 416 with threonine.
Molecular consequence: missense variant.
Genome position (GRCh38, 1-based): chr2:29,383,768, C>T on the plus strand (G>A on the coding strand, the complement: ALK is on the minus strand). VCF-style: chr2-29383768-C-T. GRCh37 (hg19) VCF-style: chr2-29606634-C-T.
Other names: short protein forms A416T.
Identifiers: ClinVar variation 404338 (VCV000404338.8), dbSNP rs775917326, ClinGen allele CA16610723.

ClinVar aggregate classification (germline): Uncertain significance. Review status: criteria provided, multiple submitters, no conflicts (2 of 4 stars). 2 submissions from 2 submitters: Uncertain significance (2). Last evaluated 2025-12-08.

Conditions:
Hereditary cancer-predisposing syndrome. Also called: Tumor predisposition; Neoplastic Syndromes, Hereditary; Hereditary Cancer Syndrome; Hereditary neoplastic syndrome. Identifiers: Orphanet 140162, MedGen C0027672, MeSH D009386, MONDO:0015356.
Neuroblastoma, susceptibility to, 3. Also called: ALK-Related Neuroblastic Tumor Susceptibility. Identifiers: Orphanet 635, MedGen C2751681, MONDO:0013083, OMIM 613014.

gnomAD v4.1: 2 of 1,614,170 alleles (0.00012%); highest among the groups gnomAD compares: Non-Finnish European, 0.00017%; no homozygotes.

Submissions (2):

Labcorp Genetics (formerly Invitae), Labcorp
Classification: Uncertain significance for Neuroblastoma, susceptibility to, 3. Last evaluated: 2025-12-08. Review status: criteria provided, single submitter. Criteria: Invitae Variant Classification Sherloc (09022015). Collection method: clinical testing. Allele origin: germline.
Comment: This sequence change replaces alanine, which is neutral and non-polar, with threonine, which is neutral and polar, at codon 416 of the ALK protein (p.Ala416Thr). This variant is not present in population databases (gnomAD no frequency). This variant has not been reported in the literature in individuals affected with ALK-related conditions. ClinVar contains an entry for this variant (Variation ID: 404338). An algorithm developed to predict the effect of missense changes on protein structure and function (PolyPhen-2) suggests that this variant is likely to be disruptive. In summary, the available evidence is currently insufficient to determine the role of this variant in disease. Therefore, it has been classified as a Variant of Uncertain Significance.

Ambry Genetics
Classification: Uncertain significance for Hereditary cancer-predisposing syndrome. Last evaluated: 2025-09-17. Review status: criteria provided, single submitter. Criteria: Ambry Variant Classification Scheme 2023. Collection method: clinical testing. Allele origin: germline.
Comment: The p.A416T variant (also known as c.1246G>A), located in coding exon 5 of the ALK gene, results from a G to A substitution at nucleotide position 1246. The alanine at codon 416 is replaced by threonine, an amino acid with similar properties. This amino acid position is highly conserved in available vertebrate species. In addition, this alteration is predicted to be tolerated by in silico analysis. Based on the available evidence, the clinical significance of this variant remains unclear.